The following is an entry in ClinVar:

ClinVar aggregate classification (germline): Conflicting classifications of pathogenicity. Review status: criteria provided, conflicting classifications (1 of 4 stars). 6 submissions from 6 submitters: Uncertain significance (5); Likely benign (1). Last evaluated 2024-05-13.

Conditions:
Hereditary breast ovarian cancer syndrome. Also called: Hereditary breast and ovarian cancer; Hereditary breast and/or ovarian cancer syndrome; BRCA1- and BRCA2-Associated Hereditary Breast and Ovarian Cancer; Hereditary breast and ovarian cancer syndrome; Hereditary breast and ovarian cancer syndrome (HBOC); Breast and ovarian cancer. Identifiers: Orphanet 145, MedGen C0677776, MeSH D061325, MONDO:0003582. Disease mechanism: loss of function.
BRCA1-related cancer predisposition. Identifiers: MedGen CN377757, MONDO:0700268.
Hereditary cancer-predisposing syndrome. Also called: Tumor predisposition; Hereditary Cancer Syndrome; Hereditary neoplastic syndrome; Neoplastic Syndromes, Hereditary. Identifiers: Orphanet 140162, MedGen C0027672, MeSH D009386, MONDO:0015356.

Submissions (6):

All of Us Research Program, National Institutes of Health
Classification: Uncertain significance for BRCA1-related cancer predisposition. Last evaluated: 2024-05-13. Review status: criteria provided, single submitter. Criteria: ACMG Guidelines, 2015. Collection method: clinical testing. Allele origin: germline. Inheritance: Autosomal dominant inheritance. Observed: 1 variant allele, 1 heterozygote.
Comment: This missense variant replaces histidine with arginine at codon 619 of the BRCA1 protein. Computational prediction suggests that this variant may not impact protein structure and function (internally defined REVEL score threshold <= 0.5, PMID: 27666373). To our knowledge, functional studies have not been reported for this variant. This variant has not been reported in individuals affected with hereditary cancer in the literature. This variant has not been identified in the general population by the Genome Aggregation Database (gnomAD). The available evidence is insufficient to determine the role of this variant in disease conclusively. Therefore, this variant is classified as a Variant of Uncertain Significance.

This study involves interpretation of variants in research participants for the purpose of population health screening. Participant phenotype was not available at the time of variant classification. Additional details can be found in publication PMID: 35346344, PMCID: PMC8962531

Labcorp Genetics (formerly Invitae), Labcorp
Classification: Uncertain significance for Hereditary breast ovarian cancer syndrome. Last evaluated: 2023-10-04. Review status: criteria provided, single submitter. Criteria: Invitae Variant Classification Sherloc (09022015). Collection method: clinical testing. Allele origin: germline.
Comment: This sequence change replaces histidine, which is basic and polar, with arginine, which is basic and polar, at codon 619 of the BRCA1 protein (p.His619Arg). This variant is not present in population databases (gnomAD no frequency). This variant has not been reported in the literature in individuals affected with BRCA1-related conditions. ClinVar contains an entry for this variant (Variation ID: 409369). Advanced modeling of protein sequence and biophysical properties (such as structural, functional, and spatial information, amino acid conservation, physicochemical variation, residue mobility, and thermodynamic stability) performed at Invitae indicates that this missense variant is not expected to disrupt BRCA1 protein function. In summary, the available evidence is currently insufficient to determine the role of this variant in disease. Therefore, it has been classified as a Variant of Uncertain Significance.

University of Washington Department of Laboratory Medicine, University of Washington
Classification: Likely benign for Hereditary cancer-predisposing syndrome. Last evaluated: 2023-03-23. Review status: criteria provided, single submitter. Criteria: Dines et al. (Genet Med. 2020). Collection method: curation. Allele origin: germline.
Comment: Missense variant in a coldspot region where missense variants are very unlikely to be pathogenic (PMID:31911673).

BRCA1 coldspot (exon 11 using historical exon numbering). Reclassification based on statistical prior probability

Ambry Genetics
Classification: Uncertain significance for Hereditary cancer-predisposing syndrome. Last evaluated: 2022-10-07. Review status: criteria provided, single submitter. Criteria: Ambry Variant Classification Scheme 2023. Collection method: clinical testing. Allele origin: germline.
Comment: The p.H619R variant (also known as c.1856A>G), located in coding exon 9 of the BRCA1 gene, results from an A to G substitution at nucleotide position 1856. The histidine at codon 619 is replaced by arginine, an amino acid with highly similar properties. This amino acid position is not well conserved in available vertebrate species. In addition, the in silico prediction for this alteration is inconclusive. Since supporting evidence is limited at this time, the clinical significance of this alteration remains unclear.

Sema4
Classification: Uncertain significance for Hereditary cancer-predisposing syndrome. Last evaluated: 2021-04-29. Review status: criteria provided, single submitter. Criteria: Sema4 Curation Guidelines. Collection method: curation. Allele origin: germline.
Comment: The BRCA1 c.1856A>G (p.H619R) variant has not been reported in the literature to our knowledge. It was not observed in the large and broad cohorts of the Genome Aggregation Database (PMID: 32461654). The variant has been reported in ClinVar (Variation ID: 409369). In silico tools suggest the impact of the variant on protein function is inconclusive, though these predictions have not been confirmed by functional studies. The evidence is insufficient to meet ACMG/AMP criteria for classifying the variant as benign or pathogenic. Thus, the clinical significance of this variant is currently uncertain.

Color Diagnostics, LLC DBA Color Health
Classification: Uncertain significance for Hereditary cancer-predisposing syndrome. Last evaluated: 2021-04-07. Review status: criteria provided, single submitter. Criteria: ACMG Guidelines, 2015. Collection method: clinical testing. Allele origin: germline.
Comment: This missense variant replaces histidine with arginine at codon 619 of the BRCA1 protein. Computational prediction suggests that this variant may not impact protein structure and function (internally defined REVEL score threshold <= 0.5, PMID: 27666373). To our knowledge, functional studies have not been reported for this variant. This variant has not been reported in individuals affected with hereditary cancer in the literature. This variant has not been identified in the general population by the Genome Aggregation Database (gnomAD). The available evidence is insufficient to determine the role of this variant in disease conclusively. Therefore, this variant is classified as a Variant of Uncertain Significance.

NM_007294.4(BRCA1):c.1856A>G (p.His619Arg)

Gene: BRCA1 (BRCA1 DNA repair associated; minus strand). Cytogenetic location: 17q21.31.
Variant type: single nucleotide variant.
Coding change: c.1856A>G on transcript NM_007294.4 (MANE Select); coding-DNA position 1856, A replaced by G.
Protein change: p.His619Arg; replaces histidine 619 with arginine.
Molecular consequence: missense variant. On other transcripts: intron variant (137).
Genome position (GRCh38, 1-based): chr17:43,093,675, T>C on the plus strand (A>G on the coding strand, the complement: BRCA1 is on the minus strand). VCF-style: chr17-43093675-T-C. GRCh37 (hg19) VCF-style: chr17-41245692-T-C.
Other names: c.1715A>G, p.His572Arg (NM_001407736.1, NM_001407738.1, NM_001407739.1 and 29 more transcripts); c.1712A>G, p.His571Arg (NM_001407740.1, NM_001407741.1, NM_001407742.1 and 20 more transcripts); c.709+1069A>G (NM_001408412.1, NM_001408409.1, NM_001408414.1 and 2 more transcripts); c.451+1069A>G (NM_001408509.1, NM_001408508.1); c.574+1069A>G (NM_001408491.1, NM_001408493.1, NM_001408490.1); c.460+2171A>G (NM_001408506.1, NM_001408507.1); c.577+1069A>G (NM_001408481.1, NM_001408480.1, NM_001408492.1 and 9 more transcripts); c.778+1069A>G (NM_001408408.1); and 40 more; short protein forms H619R, H572R, H492R, H507R, H508R, H531R, H551R, H552R.
Identifiers: ClinVar variation 409369 (VCV000409369.20), dbSNP rs771890863, ClinGen allele CA10598309.